The following is an entry in ClinVar:

NM_182920.2(ADAMTS9):c.3349G>A (p.Gly1117Arg)

Gene: ADAMTS9 (ADAM metallopeptidase with thrombospondin type 1 motif 9; minus strand). Cytogenetic location: 3p14.1.
Variant type: single nucleotide variant.
Coding change: c.3349G>A on transcript NM_182920.2 (MANE Select); coding-DNA position 3349, G replaced by A.
Protein change: p.Gly1117Arg; replaces glycine 1117 with arginine.
Molecular consequence: missense variant.
Genome position (GRCh38, 1-based): chr3:64,613,350, C>T on the plus strand (G>A on the coding strand, the complement: ADAMTS9 is on the minus strand). VCF-style: chr3-64613350-C-T. GRCh37 (hg19) VCF-style: chr3-64599026-C-T.
Other names: c.3349G>A (NM_182920.1); c.3265G>A, p.Gly1089Arg (NM_001318781.2); short protein forms G1089R, G1117R.
Identifiers: ClinVar variation 2200862 (VCV002200862.3), dbSNP rs773001688, ClinGen allele CA2480890.

ClinVar aggregate classification (germline): Uncertain significance. Review status: criteria provided, multiple submitters, no conflicts (2 of 4 stars). 2 submissions from 2 submitters: Uncertain significance (2). Last evaluated 2025-08-14.

Allele frequency attached by ClinVar (database versions not stated): gnomAD exomes 0.00001; ExAC 0.00002; gnomAD 0.00006; TOPMed 0.00007.
gnomAD v4.1: 22 of 1,613,274 alleles (0.0014%); highest among the groups gnomAD compares: Admixed American, 0.012%; no homozygotes.

Submissions (2):

Ambry Genetics
Classification: Uncertain significance. Last evaluated: 2025-08-14. Review status: criteria provided, single submitter. Criteria: Ambry Variant Classification Scheme 2023. Collection method: clinical testing. Allele origin: germline.

Labcorp Genetics (formerly Invitae), Labcorp
Classification: Uncertain significance. Last evaluated: 2022-02-22. Review status: criteria provided, single submitter. Criteria: Invitae Variant Classification Sherloc (09022015). Collection method: clinical testing. Allele origin: germline.
Comment: This sequence change replaces glycine, which is neutral and non-polar, with arginine, which is basic and polar, at codon 1117 of the ADAMTS9 protein (p.Gly1117Arg). This variant is present in population databases (rs773001688, gnomAD 0.009%). This variant has not been reported in the literature in individuals affected with ADAMTS9-related conditions. Algorithms developed to predict the effect of missense changes on protein structure and function (SIFT, PolyPhen-2, Align-GVGD) all suggest that this variant is likely to be disruptive. In summary, the available evidence is currently insufficient to determine the role of this variant in disease. Therefore, it has been classified as a Variant of Uncertain Significance.